The following is an entry in ClinVar:

NM_001128840.3(CACNA1D):c.6393G>A (p.Gln2131=)

Gene: CACNA1D (calcium voltage-gated channel subunit alpha1 D; plus strand). Cytogenetic location: 3p21.1.
Variant type: single nucleotide variant.
Coding change: c.6393G>A on transcript NM_001128840.3 (MANE Select); coding-DNA position 6393, G replaced by A.
Protein change: p.Gln2131=; no amino-acid change (glutamine 2131 retained).
Molecular consequence: synonymous variant.
Genome position (GRCh38, 1-based): chr3:53,811,313, G>A. VCF-style: chr3-53811313-G-A. GRCh37 (hg19) VCF-style: chr3-53845340-G-A.
Other names: c.6453G>A, p.Gln2151= (NM_000720.4); c.6321G>A, p.Gln2107= (NM_001128839.3).
Identifiers: ClinVar variation 666617 (VCV000666617.24), dbSNP rs200001131, ClinGen allele CA2455442.

ClinVar aggregate classification (germline): Benign/Likely benign. Review status: criteria provided, multiple submitters, no conflicts (2 of 4 stars). 6 submissions from 6 submitters: Benign (3); Likely benign (1). 2 of the submissions do not count toward it. Last evaluated 2026-01-27.

Allele frequency attached by ClinVar (database versions not stated): gnomAD 0.00001 and 0.00045; TOPMed 0.00010; gnomAD exomes 0.00090 and 0.00193; ExAC 0.00211; 1000 Genomes Project 30x 0.00312; 1000 Genomes Project 0.00339.
gnomAD v4.1: 1,391 of 1,612,942 alleles (0.086%); highest among the groups gnomAD compares: South Asian, 1.4%; 21 homozygotes.

Submissions (6):

Labcorp Genetics (formerly Invitae), Labcorp
Classification: Benign. Last evaluated: 2026-01-27. Review status: criteria provided, single submitter. Criteria: Invitae Variant Classification Sherloc (09022015). Collection method: clinical testing. Allele origin: germline.

CeGaT Center for Human Genetics Tuebingen
Classification: Benign. Last evaluated: 2025-09-01. Review status: criteria provided, single submitter. Criteria: CeGaT Center For Human Genetics Tuebingen Variant Classification Criteria Version 2. Collection method: clinical testing. Allele origin: germline. Affected: yes. Observed: 1 variant allele.
Comment: CACNA1D: BP4, BP7, BS1, BS2

GeneDx
Classification: Likely benign. Last evaluated: 2020-03-14. Review status: criteria provided, single submitter. Criteria: GeneDx Variant Classification Process June 2021. Collection method: clinical testing. Allele origin: germline. Affected: yes.

Laboratory for Molecular Medicine, Mass General Brigham Personalized Medicine
Classification: Benign. Last evaluated: 2017-08-23. Review status: criteria provided, single submitter. Criteria: LMM Criteria. Collection method: clinical testing. Allele origin: germline. Observed: 1 variant allele.
Comment: p.Gln2151Gln in exon 49 of CACNA1D: This variant is not expected to have clinica l significance because it does not alter an amino acid residue, is not located w ithin the splice consensus sequence, and has been identified in 1.59% (247/15530 ) of South Asian chromosomes by the Exome Aggregation Consortium (ExAC; dbSNP rs200001131).

Clinical Genetics, Academic Medical Center
Classification: Benign. Review status: no assertion criteria provided. Collection method: clinical testing. Allele origin: germline. Affected: yes. Study: VKGL Data-share Consensus. Not counted in ClinVar's aggregate classification.

Genome Diagnostics Laboratory, University Medical Center Utrecht
Classification: Benign. Review status: no assertion criteria provided. Collection method: clinical testing. Allele origin: germline. Affected: yes. Study: VKGL Data-share Consensus. Not counted in ClinVar's aggregate classification.